The following is an entry in ClinVar:

NM_015509.4(NECAP1):c.772G>A (p.Ala258Thr)

Gene: NECAP1 (NECAP endocytosis associated 1; plus strand). Cytogenetic location: 12p13.31.
Variant type: single nucleotide variant.
Coding change: c.772G>A on transcript NM_015509.4 (MANE Select); coding-DNA position 772, G replaced by A.
Protein change: p.Ala258Thr; replaces alanine 258 with threonine.
Molecular consequence: missense variant. On other transcripts: non-coding transcript variant (1).
Genome position (GRCh38, 1-based): chr12:8,095,696, G>A. VCF-style: chr12-8095696-G-A. GRCh37 (hg19) VCF-style: chr12-8248292-G-A.
Other names: short protein forms A258T.
Identifiers: ClinVar variation 1364886 (VCV001364886.6), dbSNP rs898607958, ClinGen allele CA232566879.

ClinVar aggregate classification (germline): Uncertain significance (1 of 4 stars; one submission).

Conditions:
Developmental and epileptic encephalopathy, 21 (DEE21). Also called: Early infantile epileptic encephalopathy 21. Identifiers: Orphanet 442835, MedGen C4014430, MONDO:0014360, OMIM 615833.

Allele frequency attached by ClinVar (database versions not stated): gnomAD 0.00001; TOPMed 0.00001.
gnomAD v4.1: 27 of 1,610,234 alleles (0.0017%); highest among the groups gnomAD compares: Non-Finnish European, 0.0023%; no homozygotes.

Submission:

Labcorp Genetics (formerly Invitae), Labcorp
Classification: Uncertain significance for Developmental and epileptic encephalopathy, 21. Last evaluated: 2021-03-25. Review status: criteria provided, single submitter. Criteria: Invitae Variant Classification Sherloc (09022015). Collection method: clinical testing. Allele origin: germline.
Comment: In summary, the available evidence is currently insufficient to determine the role of this variant in disease. Therefore, it has been classified as a Variant of Uncertain Significance. Algorithms developed to predict the effect of missense changes on protein structure and function are either unavailable or do not agree on the potential impact of this missense change (SIFT: "Not Available"; PolyPhen-2: "Possibly Damaging"; Align-GVGD: "Not Available"). This variant has not been reported in the literature in individuals with NECAP1-related conditions. This variant is not present in population databases (ExAC no frequency). This sequence change replaces alanine with threonine at codon 258 of the NECAP1 protein (p.Ala258Thr). The alanine residue is moderately conserved and there is a small physicochemical difference between alanine and threonine.